The following is an entry in ClinVar:

NM_001291746.2(REL):c.923-176G>A

Gene: REL (REL proto-oncogene, NF-kB subunit; plus strand). Cytogenetic location: 2p16.1.
Variant type: single nucleotide variant.
Coding change: c.923-176G>A on transcript NM_001291746.2 (MANE Select); 176 bases into the intron before coding-DNA position 923, G replaced by A.
Molecular consequence: intron variant. On other transcripts: missense variant (1).
Genome position (GRCh38, 1-based): chr2:60,920,398, G>A. VCF-style: chr2-60920398-G-A. GRCh37 (hg19) VCF-style: chr2-61147533-G-A.
Other names: c.938G>A, p.Arg313His (NM_002908.4); short protein forms R313H.
Identifiers: ClinVar variation 2744199 (VCV002744199.2), dbSNP rs561660110, ClinGen allele CA1672362.

ClinVar aggregate classification (germline): Uncertain significance (1 of 4 stars; one submission).

Allele frequency attached by ClinVar (database versions not stated): 1000 Genomes Project 30x 0.00016; 1000 Genomes Project 0.00020; ExAC 0.00030.
gnomAD v4.1: 26 of 652,348 alleles (0.004%); highest among the groups gnomAD compares: South Asian, 0.015%; no homozygotes.

Submission:

Labcorp Genetics (formerly Invitae), Labcorp
Classification: Uncertain significance. Last evaluated: 2023-05-01. Review status: criteria provided, single submitter. Criteria: Invitae Variant Classification Sherloc (09022015). Collection method: clinical testing. Allele origin: germline.
Comment: This variant is present in population databases (rs561660110, gnomAD 0.03%). This sequence change replaces arginine, which is basic and polar, with histidine, which is basic and polar, at codon 313 of the REL protein (p.Arg313His). This variant has not been reported in the literature in individuals affected with REL-related conditions. An algorithm developed to predict the effect of missense changes on protein structure and function (PolyPhen-2) suggests that this variant¬¨‚Ä† is likely to be tolerated. In summary, the available evidence is currently insufficient to determine the role of this variant in disease. Therefore, it has been classified as a Variant of Uncertain Significance.